The following is an entry in ClinVar:

ClinVar aggregate classification (germline): Uncertain significance (1 of 4 stars; one submission).

gnomAD v4.1: 3 of 1,612,580 alleles (0.00019%); highest among the groups gnomAD compares: Non-Finnish European, 0.00025%; no homozygotes.

Submission:

Women's Health and Genetics/Laboratory Corporation of America, LabCorp
Classification: Uncertain significance. Last evaluated: 2024-05-28. Review status: criteria provided, single submitter. Criteria: LabCorp Variant Classification Summary - May 2015. Collection method: clinical testing. Allele origin: germline.
Comment: Variant summary: MACF1 c.11335G>A (p.Glu3779Lys) results in a conservative amino acid change in the encoded protein sequence. Four of five in-silico tools predict a benign effect of the variant on protein function. The variant was absent in 250356 control chromosomes. The available data on variant occurrences in the general population are insufficient to allow any conclusion about variant significance. To our knowledge, no occurrence of c.11335G>A in individuals affected with Lissencephaly 9 With Complex Brainstem Malformation and no experimental evidence demonstrating its impact on protein function have been reported. No submitters have cited clinical-significance assessments for this variant to ClinVar. Based on the evidence outlined above, the variant was classified as uncertain significance.

NM_001394062.1(MACF1):c.17521G>A (p.Glu5841Lys)

Gene: MACF1 (microtubule actin crosslinking factor 1; plus strand). Cytogenetic location: 1p34.3.
Variant type: single nucleotide variant.
Coding change: c.17521G>A on transcript NM_001394062.1 (MANE Select); coding-DNA position 17521, G replaced by A.
Protein change: p.Glu5841Lys; replaces glutamic acid 5841 with lysine.
Molecular consequence: missense variant.
Genome position (GRCh38, 1-based): chr1:39,433,111, G>A. VCF-style: chr1-39433111-G-A. GRCh37 (hg19) VCF-style: chr1-39898783-G-A.
Other names: c.5590G>A, p.Glu1864Lys (NM_001397473.1); c.11335G>A, p.Glu3779Lys (NM_012090.5); short protein forms E1864K, E3779K, E5841K.
Identifiers: ClinVar variation 3336361 (VCV003336361.1).